The following is an entry in ClinVar:

NM_015488.5(PNKD):c.781+5G>C

Genes: CATIP-AS2 (CATIP antisense RNA 2; minus strand), PNKD (PNKD metallo-beta-lactamase domain containing; plus strand). Cytogenetic location: 2q35.
Variant type: single nucleotide variant.
Coding change: c.781+5G>C on transcript NM_015488.5 (MANE Select); 5 bases into the intron after coding-DNA position 781, G replaced by C.
Molecular consequence: intron variant.
Genome position (GRCh38, 1-based): chr2:218,342,149, G>C. VCF-style: chr2-218342149-G-C. GRCh37 (hg19) VCF-style: chr2-219206872-G-C.
Other names: c.709+5G>C (NM_022572.4).
Identifiers: ClinVar variation 574579 (VCV000574579.8), dbSNP rs757255934, ClinGen allele CA2104079.

ClinVar aggregate classification (germline): Uncertain significance (1 of 4 stars; one submission).

Conditions:
Paroxysmal nonkinesigenic dyskinesia. Also called: Paroxysmal non-kinesigenic dyskinesia. Identifiers: Orphanet 98810, MedGen C1869117, MONDO:0700088.

Allele frequency attached by ClinVar (database versions not stated): ExAC 0.00002; gnomAD exomes 0.00001 and below 0.00001.
gnomAD v4.1: 4 of 1,611,774 alleles (0.00025%); highest among the groups gnomAD compares: Admixed American, 0.0033%; no homozygotes.

Submission:

Labcorp Genetics (formerly Invitae), Labcorp
Classification: Uncertain significance for Paroxysmal nonkinesigenic dyskinesia. Last evaluated: 2024-11-21. Review status: criteria provided, single submitter. Criteria: Invitae Variant Classification Sherloc (09022015). Collection method: clinical testing. Allele origin: germline.
Comment: This sequence change falls in intron 7 of the PNKD gene. It does not directly change the encoded amino acid sequence of the PNKD protein. It affects a nucleotide within the consensus splice site. This variant is present in population databases (rs757255934, gnomAD 0.006%). This variant has not been reported in the literature in individuals affected with PNKD-related conditions. ClinVar contains an entry for this variant (Variation ID: 574579). Variants that disrupt the consensus splice site are a relatively common cause of aberrant splicing (PMID: 17576681, 9536098). Algorithms developed to predict the effect of sequence changes on RNA splicing suggest that this variant may disrupt the consensus splice site. In summary, the available evidence is currently insufficient to determine the role of this variant in disease. Therefore, it has been classified as a Variant of Uncertain Significance.

Literature cited by the submitters: PubMed 17576681; PubMed 9536098.